The following is an entry in ClinVar:

ClinVar aggregate classification (germline): Uncertain significance (1 of 4 stars; one submission).

Conditions:
Sitosterolemia (STSL). Also called: PHYTOSTEROLEMIA. Identifiers: Orphanet 2882, MedGen C0342907, MONDO:0008863.

Allele frequency attached by ClinVar (database versions not stated): gnomAD exomes below 0.00001; gnomAD 0.00001; TOPMed 0.00001; ExAC 0.00002.

Submission:

Labcorp Genetics (formerly Invitae), Labcorp
Classification: Uncertain significance for Sitosterolemia. Last evaluated: 2024-01-03. Review status: criteria provided, single submitter. Criteria: Invitae Variant Classification Sherloc (09022015). Collection method: clinical testing. Allele origin: germline.
Comment: This sequence change affects the initiator methionine of the ABCG5 mRNA. The next in-frame methionine is located at codon 13. The frequency data for this variant in the population databases is considered unreliable, as metrics indicate poor data quality at this position in the gnomAD database. This variant has not been reported in the literature in individuals affected with ABCG5-related conditions. Experimental studies and prediction algorithms are not available or were not evaluated, and the functional significance of this variant is currently unknown. In summary, the available evidence is currently insufficient to determine the role of this variant in disease. Therefore, it has been classified as a Variant of Uncertain Significance.

NM_022436.3(ABCG5):c.1A>G (p.Met1Val)

Gene: ABCG5 (ATP binding cassette subfamily G member 5; minus strand). Cytogenetic location: 2p21.
Variant type: single nucleotide variant.
Coding change: c.1A>G on transcript NM_022436.3 (MANE Select); coding-DNA position 1, A replaced by G.
Protein change: p.Met1Val; changes the start codon (methionine 1).
Molecular consequence: missense variant, initiator codon variant.
Genome position (GRCh38, 1-based): chr2:43,838,679, T>C on the plus strand (A>G on the coding strand, the complement: ABCG5 is on the minus strand). VCF-style: chr2-43838679-T-C. GRCh37 (hg19) VCF-style: chr2-44065818-T-C.
Other names: short protein forms M1V.
Identifiers: ClinVar variation 2914858 (VCV002914858.3), dbSNP rs755998551, ClinGen allele CA1636827.
Genomic context (GRCh38, chr2:43,838,679, plus strand): 5'-AGCCTCTGTTTACTTGGAGACCCATGGACCCTCCGGGGGTCAAAGATGAGAGGTCACCCA[T>C]GGCCAACAGGCAGCAAAGCTGGGCAAATTTTCTGGTGGCCGGACCCTCCCCAGAGTGGCT-3'
Protein context (NP_071881.1, residues 1-11): [Met1Val]GDLSSLTPGG